The following is an entry in ClinVar:

ClinVar aggregate classification (germline): Pathogenic. Review status: reviewed by expert panel (3 of 4 stars). 7 submissions from 7 submitters: Pathogenic (1). 6 of the submissions do not count toward it. Last evaluated 2016-09-08.

Conditions:
Hereditary breast ovarian cancer syndrome. Also called: Hereditary breast and ovarian cancer syndrome; Hereditary breast and ovarian cancer; Hereditary breast and ovarian cancer syndrome (HBOC); Breast and ovarian cancer; Hereditary breast and/or ovarian cancer syndrome; BRCA1- and BRCA2-Associated Hereditary Breast and Ovarian Cancer. Identifiers: Orphanet 145, MedGen C0677776, MeSH D061325, MONDO:0003582. Disease mechanism: loss of function.
Hereditary cancer-predisposing syndrome. Also called: Neoplastic Syndromes, Hereditary; Tumor predisposition; Hereditary neoplastic syndrome; Hereditary Cancer Syndrome. Identifiers: Orphanet 140162, MedGen C0027672, MeSH D009386, MONDO:0015356.
Breast-ovarian cancer, familial, susceptibility to, 2 (BROVCA2). Also called: BRCA2 Hereditary Breast and Ovarian Cancer. Identifiers: Orphanet 145, MedGen C2675520, MONDO:0012933, OMIM 612555. Disease mechanism: loss of function.

Allele frequency attached by ClinVar (database versions not stated): gnomAD exomes below 0.00001.

Submissions (7):

Evidence-based Network for the Interpretation of Germline Mutant Alleles (ENIGMA)
Classification: Pathogenic for Breast-ovarian cancer, familial, susceptibility to, 2. Last evaluated: 2016-09-08. Review status: reviewed by expert panel. Criteria: ENIGMA BRCA1/2 Classification Criteria (2015). Collection method: curation. Allele origin: germline.
Comment: Variant allele predicted to encode a truncated non-functional protein.

Quest Diagnostics Nichols Institute San Juan Capistrano
Classification: Pathogenic. Last evaluated: 2022-11-03. Review status: criteria provided, single submitter. Criteria: Quest Diagnostics criteria. Collection method: clinical testing. Allele origin: unknown. Not counted in ClinVar's aggregate classification.
Comment: This frameshift variant alters the translational reading frame of the BRCA2 mRNA and causes the premature termination of BRCA2 protein synthesis. The frequency of this variant in the general population, 0.000004 (1/250438 chromosomes), is consistent with pathogenicity. In the published literature, the variant has been reported in multiple individuals with breast cancer (PMID: 33471991 (2021), see also LOVD) and in individuals undergoing whole exome sequencing (WES) (PMID: 28152038 (2017)). This variant was also reported in an unaffected individual of unknown age (PMID: 27356891 (2016)). Based on the available information, this variant is classified as pathogenic.

Labcorp Genetics (formerly Invitae), Labcorp
Classification: Pathogenic for Hereditary breast ovarian cancer syndrome. Last evaluated: 2022-09-23. Review status: criteria provided, single submitter. Criteria: Invitae Variant Classification Sherloc (09022015). Collection method: clinical testing. Allele origin: germline. Not counted in ClinVar's aggregate classification.
Comment: This variant is present in population databases (rs80359743, gnomAD 0.0009%). This premature translational stop signal has been observed in individual(s) with clinical features of BRCA2-related conditions (PMID: 21520333). ClinVar contains an entry for this variant (Variation ID: 52734). For these reasons, this variant has been classified as Pathogenic. This sequence change creates a premature translational stop signal (p.Ser3018Argfs*3) in the BRCA2 gene. It is expected to result in an absent or disrupted protein product. Loss-of-function variants in BRCA2 are known to be pathogenic (PMID: 20104584).

Ambry Genetics
Classification: Pathogenic for Hereditary cancer-predisposing syndrome. Last evaluated: 2022-08-02. Review status: criteria provided, single submitter. Criteria: Ambry Variant Classification Scheme 2023. Collection method: clinical testing. Allele origin: germline. Not counted in ClinVar's aggregate classification.
Comment: The c.9054_9055delTA pathogenic mutation, located in coding exon 22 of the BRCA2 gene, results from a deletion of two nucleotides at nucleotide positions 9054 to 9055, causing a translational frameshift with a predicted alternate stop codon (p.S3018Rfs*3). This alteration is expected to result in loss of function by premature protein truncation or nonsense-mediated mRNA decay. As such, this alteration is interpreted as a disease-causing mutation.

Laboratory for Molecular Medicine, Mass General Brigham Personalized Medicine
Classification: Pathogenic for Hereditary breast ovarian cancer syndrome. Last evaluated: 2019-10-14. Review status: criteria provided, single submitter. Criteria: ACMG Guidelines, 2015. Collection method: clinical testing. Allele origin: germline. Not counted in ClinVar's aggregate classification.
Comment: The p.Ser3018ArgfsX3 variant in BRCA2 has been reported in 2 individuals with breast cancer (BIC database). It has also been identified in 1/113052 European chromosomes by gnomAD; however, this frequency is low enough to be consistent with the frequency of hereditary breast and ovarian cancer (HBOC) in the general population. This variant is predicted to cause a frameshift, which alters the protein’s amino acid sequence beginning at position 3018 and leads to a premature termination codon 3 amino acids downstream. This alteration is then predicted to lead to a truncated or absent protein. Loss of function of the BRCA2 gene is an established disease mechanism in autosomal dominant hereditary breast and ovarian cancer syndrome (HBOC). Additionally, this variant was classified as Pathogenic on Sep 8, 2016 by the ClinGen-approved ENIGMA expert panel (Variation ID: 52312). In summary, this variant meets criteria to be classified as pathogenic for autosomal dominant HBOC. ACMG/AMP Criteria applied: PVS1, PM2, PS4_Supporting.

Consortium of Investigators of Modifiers of BRCA1/2 (CIMBA), c/o University of Cambridge
Classification: Pathogenic for Breast-ovarian cancer, familial, susceptibility to, 2. Last evaluated: 2015-10-02. Review status: criteria provided, single submitter. Criteria: CIMBA Mutation Classification guidelines May 2016. Collection method: clinical testing. Allele origin: germline. Not counted in ClinVar's aggregate classification.

Breast Cancer Information Core (BIC) (BRCA2)
Classification: Pathogenic for Breast-ovarian cancer, familial 2. Last evaluated: 2001-02-16. Review status: no assertion criteria provided. Collection method: clinical testing. Allele origin: germline. Affected: yes. Observed: 2 variant alleles. Not counted in ClinVar's aggregate classification.

Literature cited by the submitters: PubMed 28152038 (cited by Quest Diagnostics Nichols Institute San Juan Capistrano); PubMed 29446198 (cited by Quest Diagnostics Nichols Institute San Juan Capistrano); PubMed 33471991 (cited by Quest Diagnostics Nichols Institute San Juan Capistrano); PubMed 27356891 (cited by Quest Diagnostics Nichols Institute San Juan Capistrano); PubMed 21520333 (cited by Labcorp Genetics (formerly Invitae), Labcorp); PubMed 20104584 (cited by Labcorp Genetics (formerly Invitae), Labcorp).

NM_000059.4(BRCA2):c.9054_9055del (p.Ser3018fs)

Gene: BRCA2 (BRCA2 DNA repair associated; plus strand). Cytogenetic location: 13q13.1.
Variant type: Deletion.
Coding change: c.9054_9055del on transcript NM_000059.4 (MANE Select); coding-DNA positions 9054 to 9055, 2 bases deleted (TA; older notation c.9054_9055delTA).
Protein change: p.Ser3018fs; shifts the reading frame from serine 3018.
Molecular consequence: frameshift variant.
Genome position (GRCh38, 1-based): chr13:32,379,850-32,379,851, TA deleted. VCF-style (leftmost placement, unchanged base first): chr13-32379849-GTA-G. GRCh37 (hg19) VCF-style: chr13-32953986-GTA-G.
Other names: 9282delTA; c.9054_9055delTA (NM_000059.3).
Identifiers: ClinVar variation 52734 (VCV000052734.19), dbSNP rs80359743, ClinGen allele CA025945.